The following is an entry in ClinVar:

NM_000268.4(NF2):c.1556T>G (p.Met519Arg)

Gene: NF2 (NF2, moesin-ezrin-radixin like (MERLIN) tumor suppressor; plus strand). Cytogenetic location: 22q12.2.
Variant type: single nucleotide variant.
Coding change: c.1556T>G on transcript NM_000268.4 (MANE Select); coding-DNA position 1556, T replaced by G.
Protein change: p.Met519Arg; replaces methionine 519 with arginine.
Molecular consequence: missense variant. On other transcripts: non-coding transcript variant (1), intron variant (1).
Genome position (GRCh38, 1-based): chr22:29,678,305, T>G. VCF-style: chr22-29678305-T-G. GRCh37 (hg19) VCF-style: chr22-30074294-T-G.
Other names: c.1442T>G, p.Met481Arg (NM_001407053.1, NM_001407056.1); c.1433T>G, p.Met478Arg (NM_001407054.1, NM_001407058.1, NM_181829.3); c.1430T>G, p.Met477Arg (NM_001407055.1, NM_181828.3); c.1421T>G, p.Met474Arg (NM_001407057.1, NM_001407059.1); c.1556T>G, p.Met519Arg (NM_001407060.1, NM_001407066.1, NM_016418.5 and 2 more transcripts); c.1298T>G, p.Met433Arg (NM_001407062.1); c.1307T>G, p.Met436Arg (NM_001407063.1, NM_001407064.1, NM_181830.3 and 1 more transcripts); c.1022T>G, p.Met341Arg (NM_001407065.1); and 2 more; short protein forms M442R, M478R, M481R, M436R, M477R, M519R, M341R, M433R.
Identifiers: ClinVar variation 3404985 (VCV003404985.1).
Genomic context (GRCh38, chr22:29,678,305, plus strand): 5'-ACCTCATTGGTGACAGCCTGTCTTTCGACTTCAAAGATACTGACATGAAGCGGCTTTCCA[T>G]GGAGATAGAGAAAGAAAAGTATGTAGCCCCCTGTGCCCTGCTGTGGGCAGCTGTGAACTA-3'
Protein context (NP_000259.1, residues 509-529): FKDTDMKRLS[Met519Arg]EIEKEKVEYM

ClinVar aggregate classification (germline): Uncertain significance (1 of 4 stars; one submission).

Conditions:
Hereditary cancer-predisposing syndrome. Also called: Hereditary Cancer Syndrome; Tumor predisposition; Hereditary neoplastic syndrome; Neoplastic Syndromes, Hereditary. Identifiers: Orphanet 140162, MedGen C0027672, MeSH D009386, MONDO:0015356.

Submission:

Ambry Genetics
Classification: Uncertain significance for Hereditary cancer-predisposing syndrome. Last evaluated: 2024-07-26. Review status: criteria provided, single submitter. Criteria: Ambry Variant Classification Scheme 2023. Collection method: clinical testing. Allele origin: germline.
Comment: The p.M519R variant (also known as c.1556T>G), located in coding exon 14 of the NF2 gene, results from a T to G substitution at nucleotide position 1556. The methionine at codon 519 is replaced by arginine, an amino acid with similar properties. This amino acid position is conserved. In addition, this alteration is predicted to be deleterious by in silico analysis. Based on the available evidence, the clinical significance of this variant remains unclear.